The following is an entry in ClinVar:

NM_015602.4(TOR1AIP1):c.56T>A (p.Val19Asp)

Genes: TOR1AIP1 (torsin 1A interacting protein 1; plus strand), LOC112577517 (Sharpr-MPRA regulatory region 13766; plus strand). Cytogenetic location: 1q25.2.
Variant type: single nucleotide variant.
Coding change: c.56T>A on transcript NM_015602.4 (MANE Select); coding-DNA position 56, T replaced by A.
Protein change: p.Val19Asp; replaces valine 19 with aspartic acid.
Molecular consequence: missense variant.
Genome position (GRCh38, 1-based): chr1:179,882,558, T>A. VCF-style: chr1-179882558-T-A. GRCh37 (hg19) VCF-style: chr1-179851693-T-A.
Other names: c.56T>A, p.Val19Asp (NM_001267578.2); short protein forms V19D.
Identifiers: ClinVar variation 1413275 (VCV001413275.6), dbSNP rs1189600415, ClinGen allele CA343577563.

ClinVar aggregate classification (germline): Uncertain significance (1 of 4 stars; one submission).

Conditions:
Autosomal recessive limb-girdle muscular dystrophy type 2Y (MRRSDC). Also called: Muscular dystrophy, autosomal recessive, with rigid spine and distal joint contractures; Muscular dystrophy, limb-girdle, type 2y. Identifiers: Orphanet 424261, MedGen C4511482, MONDO:0014900, OMIM 617072.

Submission:

Labcorp Genetics (formerly Invitae), Labcorp
Classification: Uncertain significance for Autosomal recessive limb-girdle muscular dystrophy type 2Y. Last evaluated: 2021-11-01. Review status: criteria provided, single submitter. Criteria: Invitae Variant Classification Sherloc (09022015). Collection method: clinical testing. Allele origin: germline.
Comment: This sequence change replaces valine, which is neutral and non-polar, with aspartic acid, which is acidic and polar, at codon 19 of the TOR1AIP1 protein (p.Val19Asp). In summary, the available evidence is currently insufficient to determine the role of this variant in disease. Therefore, it has been classified as a Variant of Uncertain Significance. Algorithms developed to predict the effect of missense changes on protein structure and function are either unavailable or do not agree on the potential impact of this missense change (SIFT: "Deleterious"; PolyPhen-2: "Probably Damaging"; Align-GVGD: "Class C0"). This variant has not been reported in the literature in individuals affected with TOR1AIP1-related conditions. This variant is not present in population databases (gnomAD no frequency).